The following is an entry in ClinVar:

NM_000094.4(COL7A1):c.5271+1G>A

Gene: COL7A1 (collagen type VII alpha 1 chain; minus strand). Cytogenetic location: 3p21.31.
Variant type: single nucleotide variant.
Coding change: c.5271+1G>A on transcript NM_000094.4 (MANE Select); the canonical splice donor site of the intron after coding-DNA position 5271, G replaced by A.
Molecular consequence: splice donor variant.
Genome position (GRCh38, 1-based): chr3:48,579,479, C>T on the plus strand (G>A on the coding strand, the complement: COL7A1 is on the minus strand). VCF-style: chr3-48579479-C-T. GRCh37 (hg19) VCF-style: chr3-48616912-C-T.
Other names: c.5271+1G>A (NM_000094.3).
Identifiers: ClinVar variation 2038743 (VCV002038743.5), dbSNP rs2531059728, ClinGen allele CA352676578.
Genomic context (GRCh38, chr3:48,579,479, plus strand): 5'-GTCAGATAAGAGGTGAGGGTAAGATGGGGACTTGGCAGACGGGGCAAAGTGCATCACTCA[C>T]CTGTGGGCCTGGGGGTCCCCGAAACCCTTCAATGCCCTGAGGATAGGGGAGGAAGAAATC-3'

ClinVar aggregate classification (germline): Likely pathogenic. Review status: criteria provided, multiple submitters, no conflicts (2 of 4 stars). 2 submissions from 2 submitters: Likely pathogenic (2). Last evaluated 2025-06-23.

Submissions (2):

Revvity Omics, Revvity
Classification: Likely pathogenic. Last evaluated: 2025-06-23. Review status: criteria provided, single submitter. Criteria: ACMG Guidelines, 2015. Collection method: clinical testing. Allele origin: germline.

Labcorp Genetics (formerly Invitae), Labcorp
Classification: Likely pathogenic. Last evaluated: 2022-03-15. Review status: criteria provided, single submitter. Criteria: Invitae Variant Classification Sherloc (09022015). Collection method: clinical testing. Allele origin: germline.
Comment: In summary, the currently available evidence indicates that the variant is pathogenic, but additional data are needed to prove that conclusively. Therefore, this variant has been classified as Likely Pathogenic. Algorithms developed to predict the effect of sequence changes on RNA splicing suggest that this variant may disrupt the consensus splice site. This variant has not been reported in the literature in individuals affected with COL7A1-related conditions. This variant is not present in population databases (gnomAD no frequency). This sequence change affects a donor splice site in intron 59 of the COL7A1 gene. It is expected to disrupt splicing. Variants that disrupt the donor or acceptor splice site typically lead to a loss of protein function (PMID: 16199547), and loss-of-function variants in COL7A1 are known to be disease-causing for autosomal recessive dystrophic epidermolysis bullosa (PMID: 16971478). However, certain variants affecting donor or acceptor splice sites in the triple helical domain of COL7A1 are expected to result in in-frame exon skipping and have been reported to cause autosomal dominant dystrophic epidermolysis bullosa (PMID: 31670143).

Literature cited by the submitters: PubMed 16199547 (cited by Labcorp Genetics (formerly Invitae), Labcorp); PubMed 16971478 (cited by Labcorp Genetics (formerly Invitae), Labcorp); PubMed 31670143 (cited by Labcorp Genetics (formerly Invitae), Labcorp).